The following is an entry in ClinVar:

ClinVar aggregate classification (germline): Uncertain significance (1 of 4 stars; one submission).

Conditions:
Progressive sclerosing poliodystrophy (MTDPS4A). Also called: ALPERS PROGRESSIVE INFANTILE POLIODYSTROPHY; ALPERS DIFFUSE DEGENERATION OF CEREBRAL GRAY MATTER WITH HEPATIC CIRRHOSIS; Alpers-Huttenlocher Syndrome; NEURONAL DEGENERATION OF CHILDHOOD WITH LIVER DISEASE, PROGRESSIVE; Alpers Syndrome; Mitochondrial DNA Depletion Syndrome 4A. Identifiers: Orphanet 726, MedGen C0205710, MONDO:0008758, OMIM 203700.

Allele frequency attached by ClinVar (database versions not stated): TOPMed below 0.00001; gnomAD 0.00001; gnomAD exomes 0.00002.
gnomAD v4.1: 31 of 1,611,090 alleles (0.0019%); highest among the groups gnomAD compares: Non-Finnish European, 0.0026%; no homozygotes.

Submission:

Labcorp Genetics (formerly Invitae), Labcorp
Classification: Uncertain significance for Progressive sclerosing poliodystrophy. Last evaluated: 2025-09-12. Review status: criteria provided, single submitter. Criteria: Invitae Variant Classification Sherloc (09022015). Collection method: clinical testing. Allele origin: germline.
Comment: This sequence change replaces glycine, which is neutral and non-polar, with arginine, which is basic and polar, at codon 67 of the POLG protein (p.Gly67Arg). This variant is not present in population databases (gnomAD no frequency). This variant has not been reported in the literature in individuals affected with POLG-related conditions. ClinVar contains an entry for this variant (Variation ID: 1022840). Invitae Evidence Modeling of protein sequence and biophysical properties (such as structural, functional, and spatial information, amino acid conservation, physicochemical variation, residue mobility, and thermodynamic stability) indicates that this missense variant is not expected to disrupt POLG protein function with a negative predictive value of 95%. In summary, the available evidence is currently insufficient to determine the role of this variant in disease. Therefore, it has been classified as a Variant of Uncertain Significance.

NM_002693.3(POLG):c.199G>A (p.Gly67Arg)

Genes: POLG (DNA polymerase gamma, catalytic subunit; minus strand), POLGARF (POLG alternative reading frame; minus strand). Cytogenetic location: 15q26.1.
Variant type: single nucleotide variant.
Coding change: c.199G>A on transcript NM_002693.3 (MANE Select); coding-DNA position 199, G replaced by A.
Protein change: p.Gly67Arg; replaces glycine 67 with arginine.
Molecular consequence: missense variant.
Genome position (GRCh38, 1-based): chr15:89,333,556, C>T on the plus strand (G>A on the coding strand, the complement: POLG is on the minus strand). VCF-style: chr15-89333556-C-T. GRCh37 (hg19) VCF-style: chr15-89876787-C-T.
Other names: c.199G>A, p.Gly67Arg (NM_001126131.2); short protein forms G67R.
Identifiers: ClinVar variation 1022840 (VCV001022840.7), dbSNP rs1415744247, ClinGen allele CA393773685.